The following is an entry in ClinVar:

ClinVar aggregate classification (germline): Uncertain significance (1 of 4 stars; one submission).

Conditions:
Primary ciliary dyskinesia. Also called: Ciliary dyskinesia. Identifiers: Orphanet 244, MedGen C0008780, MONDO:0016575, HP:0012265.

Allele frequency attached by ClinVar (database versions not stated): TOPMed below 0.00001; gnomAD exomes 0.00001 and 0.00002; ExAC 0.00002.
gnomAD v4.1: 7 of 1,608,788 alleles (0.00044%); highest among the groups gnomAD compares: Admixed American, 0.0084%; no homozygotes.

Submission:

Labcorp Genetics (formerly Invitae), Labcorp
Classification: Uncertain significance for Primary ciliary dyskinesia. Last evaluated: 2024-10-28. Review status: criteria provided, single submitter. Criteria: Invitae Variant Classification Sherloc (09022015). Collection method: clinical testing. Allele origin: germline.
Comment: This sequence change replaces valine, which is neutral and non-polar, with isoleucine, which is neutral and non-polar, at codon 1857 of the DNAH8 protein (p.Val1857Ile). This variant is present in population databases (rs769383206, gnomAD 0.01%). This variant has not been reported in the literature in individuals affected with DNAH8-related conditions. ClinVar contains an entry for this variant (Variation ID: 1389028). An algorithm developed to predict the effect of missense changes on protein structure and function outputs the following: PolyPhen-2: "Not Available". The isoleucine amino acid residue is found in multiple mammalian species, which suggests that this missense change does not adversely affect protein function. In summary, the available evidence is currently insufficient to determine the role of this variant in disease. Therefore, it has been classified as a Variant of Uncertain Significance.

NM_001206927.2(DNAH8):c.5569G>A (p.Val1857Ile)

Gene: DNAH8 (dynein axonemal heavy chain 8; plus strand). Cytogenetic location: 6p21.2.
Variant type: single nucleotide variant.
Coding change: c.5569G>A on transcript NM_001206927.2 (MANE Select); coding-DNA position 5569, G replaced by A.
Protein change: p.Val1857Ile; replaces valine 1857 with isoleucine.
Molecular consequence: missense variant.
Genome position (GRCh38, 1-based): chr6:38,852,796, G>A. VCF-style: chr6-38852796-G-A. GRCh37 (hg19) VCF-style: chr6-38820572-G-A.
Other names: c.4918G>A, p.Val1640Ile (NM_001371.4); short protein forms V1640I, V1857I.
Identifiers: ClinVar variation 1389028 (VCV001389028.5), dbSNP rs769383206, ClinGen allele CA3789413.